The following is an entry in ClinVar:

ClinVar aggregate classification (germline): Uncertain significance (1 of 4 stars; one submission).

Submission:

Labcorp Genetics (formerly Invitae), Labcorp
Classification: Uncertain significance. Last evaluated: 2024-10-30. Review status: criteria provided, single submitter. Criteria: Invitae Variant Classification Sherloc (09022015). Collection method: clinical testing. Allele origin: germline.
Comment: This sequence change replaces valine, which is neutral and non-polar, with isoleucine, which is neutral and non-polar, at codon 1357 of the NBEA protein (p.Val1357Ile). This variant is not present in population databases (gnomAD no frequency). This variant has not been reported in the literature in individuals affected with NBEA-related conditions. Invitae Evidence Modeling of protein sequence and biophysical properties (such as structural, functional, and spatial information, amino acid conservation, physicochemical variation, residue mobility, and thermodynamic stability) indicates that this missense variant is not expected to disrupt NBEA protein function with a negative predictive value of 80%. In summary, the available evidence is currently insufficient to determine the role of this variant in disease. Therefore, it has been classified as a Variant of Uncertain Significance.

NM_001385012.1(NBEA):c.4069G>A (p.Val1357Ile)

Gene: NBEA (neurobeachin; plus strand). Cytogenetic location: 13q13.3.
Variant type: single nucleotide variant.
Coding change: c.4069G>A on transcript NM_001385012.1 (MANE Select); coding-DNA position 4069, G replaced by A.
Protein change: p.Val1357Ile; replaces valine 1357 with isoleucine.
Molecular consequence: missense variant.
Genome position (GRCh38, 1-based): chr13:35,161,957, G>A. VCF-style: chr13-35161957-G-A. GRCh37 (hg19) VCF-style: chr13-35736094-G-A.
Other names: c.4069G>A, p.Val1357Ile (NM_001379245.1, NM_015678.5); short protein forms V1357I.
Identifiers: ClinVar variation 3666945 (VCV003666945.2).